The following is an entry in ClinVar:

NM_004656.4(BAP1):c.581-13T>G

Gene: BAP1 (BRCA1 associated deubiquitinase 1; minus strand). Cytogenetic location: 3p21.1.
Variant type: single nucleotide variant.
Coding change: c.581-13T>G on transcript NM_004656.4 (MANE Select); 13 bases into the intron before coding-DNA position 581, T replaced by G.
Molecular consequence: intron variant.
Genome position (GRCh38, 1-based): chr3:52,406,920, A>C on the plus strand (T>G on the coding strand, the complement: BAP1 is on the minus strand). VCF-style: chr3-52406920-A-C. GRCh37 (hg19) VCF-style: chr3-52440936-A-C.
Other names: c.581-13T>G (NM_001410772.1).
Identifiers: ClinVar variation 2851930 (VCV002851930.3), dbSNP rs2153227668, ClinGen allele CA2739278593.

ClinVar aggregate classification (germline): Uncertain significance (1 of 4 stars; one submission).

Conditions:
BAP1-related tumor predisposition syndrome (TPDS1). Also called: Tumor susceptibility linked to germline BAP1 mutations; COMMON Syndrome; TUMOR PREDISPOSITION SYNDROME 1; BAP1 tumor predisposition syndrome. Identifiers: Orphanet 289539, MedGen C3280492, MONDO:0013692, OMIM 614327.

Submission:

Labcorp Genetics (formerly Invitae), Labcorp
Classification: Uncertain significance for BAP1-related tumor predisposition syndrome. Last evaluated: 2023-04-04. Review status: criteria provided, single submitter. Criteria: Invitae Variant Classification Sherloc (09022015). Collection method: clinical testing. Allele origin: germline.
Comment: Algorithms developed to predict the effect of sequence changes on RNA splicing suggest that this variant may create or strengthen a splice site. In summary, the available evidence is currently insufficient to determine the role of this variant in disease. Therefore, it has been classified as a Variant of Uncertain Significance. This variant has not been reported in the literature in individuals affected with BAP1-related conditions. This sequence change falls in intron 7 of the BAP1 gene. It does not directly change the encoded amino acid sequence of the BAP1 protein. This variant is not present in population databases (gnomAD no frequency).